The following is an entry in ClinVar:

NM_000836.4(GRIN2D):c.65T>A (p.Leu22Gln)

Gene: GRIN2D (glutamate ionotropic receptor NMDA type subunit 2D; plus strand). Cytogenetic location: 19q13.33.
Variant type: single nucleotide variant.
Coding change: c.65T>A on transcript NM_000836.4 (MANE Select); coding-DNA position 65, T replaced by A.
Protein change: p.Leu22Gln; replaces leucine 22 with glutamine.
Molecular consequence: missense variant.
Genome position (GRCh38, 1-based): chr19:48,398,457, T>A. VCF-style: chr19-48398457-T-A. GRCh37 (hg19) VCF-style: chr19-48901714-T-A.
Other names: short protein forms L22Q.
Identifiers: ClinVar variation 3041310 (VCV003041310.2), dbSNP rs1600967281, ClinGen allele CA406688208.

ClinVar aggregate classification (germline): Likely benign (0 of 4 stars; one submission).

Conditions:
GRIN2D-related disorder. Also called: GRIN2D-related condition.

Allele frequency attached by ClinVar (database versions not stated): gnomAD exomes below 0.00001.
gnomAD v4.1: 1 of 1,074,558 alleles (0.000093%); highest among the groups gnomAD compares: Admixed American, 0.0054%; no homozygotes.

Submission:

PreventionGenetics, part of Exact Sciences
Classification: Likely benign for GRIN2D-related condition. Last evaluated: 2020-12-14. Review status: no assertion criteria provided. Collection method: clinical testing. Allele origin: germline.
Comment: This variant is classified as likely benign based on ACMG/AMP sequence variant interpretation guidelines (Richards et al. 2015 PMID: 25741868, with internal and published modifications).